The following is an entry in ClinVar:

NM_001113378.2(FANCI):c.3256-9T>C

Gene: FANCI (FA complementation group I; plus strand). Cytogenetic location: 15q26.1.
Variant type: single nucleotide variant.
Coding change: c.3256-9T>C on transcript NM_001113378.2 (MANE Select); 9 bases into the intron before coding-DNA position 3256, T replaced by C.
Molecular consequence: intron variant.
Genome position (GRCh38, 1-based): chr15:89,305,596, T>C. VCF-style: chr15-89305596-T-C. GRCh37 (hg19) VCF-style: chr15-89848827-T-C.
Other names: c.3076-9T>C (NM_018193.3); c.3256-9T>C (NM_001376911.1); c.2977-9T>C (NM_001376910.1).
Identifiers: ClinVar variation 698686 (VCV000698686.10), dbSNP rs1464839356, ClinGen allele CA619508854.

ClinVar aggregate classification (germline): Likely benign. Review status: criteria provided, multiple submitters, no conflicts (2 of 4 stars). 3 submissions from 3 submitters: Likely benign (3). Last evaluated 2025-11-15.

Conditions:
Fanconi anemia (FA). Also called: Fanconi's anemia. Identifiers: Orphanet 84, MedGen C0015625, MeSH D005199, MONDO:0019391.

Allele frequency attached by ClinVar (database versions not stated): gnomAD exomes below 0.00001; gnomAD 0.00001; TOPMed 0.00001.
gnomAD v4.1: 7 of 1,613,978 alleles (0.00043%); highest among the groups gnomAD compares: Admixed American, 0.0033%; no homozygotes.

Submissions (3):

Labcorp Genetics (formerly Invitae), Labcorp
Classification: Likely benign for Fanconi anemia. Last evaluated: 2025-11-15. Review status: criteria provided, single submitter. Criteria: Invitae Variant Classification Sherloc (09022015). Collection method: clinical testing. Allele origin: germline.

Blueprint Genetics
Classification: Likely benign. Last evaluated: 2024-11-14. Review status: criteria provided, single submitter. Criteria: ACMG Guidelines, 2015. Collection method: clinical testing. Allele origin: germline.

Women's Health and Genetics/Laboratory Corporation of America, LabCorp
Classification: Likely benign. Last evaluated: 2023-09-15. Review status: criteria provided, single submitter. Criteria: LabCorp Variant Classification Summary - May 2015. Collection method: clinical testing. Allele origin: germline.
Comment: Variant summary: FANCI c.3256-9T>C alters a non-conserved nucleotide located at a position not widely known to affect splicing. Consensus agreement among computation tools predict no significant impact on normal splicing. However, these predictions have yet to be confirmed by functional studies. The variant allele was found at a frequency of 4e-06 in 251480 control chromosomes. The available data on variant occurrences in the general population are insufficient to allow any conclusion about variant significance. To our knowledge, no occurrence of c.3256-9T>C in individuals affected with Fanconi Anemia and no experimental evidence demonstrating its impact on protein function have been reported. One submitter has cited clinical-significance assessments for this variant to ClinVar after 2014 and has classified the variant as likely benign. Based on the evidence outlined above, the variant was classified as likely benign.